The following is an entry in ClinVar:

ClinVar aggregate classification (germline): Likely benign. Review status: criteria provided, multiple submitters, no conflicts (2 of 4 stars). 2 submissions from 2 submitters: Likely benign (2). Last evaluated 2026-08-01.

gnomAD v4.1: 6 of 1,614,026 alleles (0.00037%); highest among the groups gnomAD compares: African/African-American, 0.0067%; no homozygotes.

Submissions (2):

CeGaT Center for Human Genetics Tuebingen
Classification: Likely benign. Last evaluated: 2026-08-01. Review status: criteria provided, single submitter. Criteria: CeGaT Center For Human Genetics Tuebingen Variant Classification Criteria Version 2. Collection method: clinical testing. Allele origin: germline. Affected: yes. Observed: 1 variant allele.
Comment: SRCAP: BP4, BP7

Labcorp Genetics (formerly Invitae), Labcorp
Classification: Likely benign. Last evaluated: 2024-12-24. Review status: criteria provided, single submitter. Criteria: Invitae Variant Classification Sherloc (09022015). Collection method: clinical testing. Allele origin: germline.

NM_006662.3(SRCAP):c.5034G>A (p.Thr1678=)

Gene: SRCAP (Snf2 related CREBBP activator protein; plus strand). Cytogenetic location: 16p11.2.
Variant type: single nucleotide variant.
Coding change: c.5034G>A on transcript NM_006662.3 (MANE Select); coding-DNA position 5034, G replaced by A.
Protein change: p.Thr1678=; no amino-acid change (threonine 1678 retained).
Molecular consequence: synonymous variant.
Genome position (GRCh38, 1-based): chr16:30,724,458, G>A. VCF-style: chr16-30724458-G-A. GRCh37 (hg19) VCF-style: chr16-30735779-G-A.
Identifiers: ClinVar variation 3619575 (VCV003619575.3).